The following is an entry in ClinVar:

NM_001018115.3(FANCD2):c.4233G>C (p.Glu1411Asp)

Genes: FANCD2 (FA complementation group D2; plus strand), FANCD2OS (FANCD2 opposite strand; minus strand). Cytogenetic location: 3p25.3.
Variant type: single nucleotide variant.
Coding change: c.4233G>C on transcript NM_001018115.3 (MANE Select); coding-DNA position 4233, G replaced by C.
Protein change: p.Glu1411Asp; replaces glutamic acid 1411 with aspartic acid.
Molecular consequence: missense variant. On other transcripts: intron variant (1).
Genome position (GRCh38, 1-based): chr3:10,098,767, G>C. VCF-style: chr3-10098767-G-C. GRCh37 (hg19) VCF-style: chr3-10140451-G-C.
Other names: c.4233G>C, p.Glu1411Asp (NM_001319984.2, NM_033084.6); c.4122G>C, p.Glu1374Asp (NM_001374253.1); c.4194G>C, p.Glu1398Asp (NM_001374254.1); c.*43+5431C>G (NM_173472.2); short protein forms E1398D, E1374D, E1411D.
Identifiers: ClinVar variation 903000 (VCV000903000.9), dbSNP rs61753270, ClinGen allele CA2250659.

ClinVar aggregate classification (germline): Uncertain significance. Review status: criteria provided, multiple submitters, no conflicts (2 of 4 stars). 3 submissions from 3 submitters: Uncertain significance (3). Last evaluated 2022-05-28.

Conditions:
Fanconi anemia (FA). Also called: Fanconi's anemia. Identifiers: Orphanet 84, MedGen C0015625, MeSH D005199, MONDO:0019391.
Fanconi anemia complementation group D2. Also called: FANCD2-Related Fanconi Anemia; FANCONI PANCYTOPENIA, TYPE 4; FANCONI ANEMIA, COMPLEMENTATION GROUP D. Identifiers: Orphanet 84, MedGen C3160738, MONDO:0009214, OMIM 227646.

Allele frequency attached by ClinVar (database versions not stated): gnomAD 0.00001; gnomAD exomes 0.00004 and 0.00003; TOPMed 0.00004; ESP Exome Variant Server 0.00008; ExAC 0.00006.
gnomAD v4.1: 39 of 1,613,946 alleles (0.0024%); highest among the groups gnomAD compares: Middle Eastern, 0.016%; no homozygotes.

Submissions (3):

Labcorp Genetics (formerly Invitae), Labcorp
Classification: Uncertain significance for Fanconi anemia. Last evaluated: 2022-05-28. Review status: criteria provided, single submitter. Criteria: Invitae Variant Classification Sherloc (09022015). Collection method: clinical testing. Allele origin: germline.
Comment: This sequence change replaces glutamic acid, which is acidic and polar, with aspartic acid, which is acidic and polar, at codon 1411 of the FANCD2 protein (p.Glu1411Asp). This variant is present in population databases (rs61753270, gnomAD 0.007%). This variant has not been reported in the literature in individuals affected with FANCD2-related conditions. ClinVar contains an entry for this variant (Variation ID: 903000). Algorithms developed to predict the effect of missense changes on protein structure and function output the following: SIFT: "Tolerated"; PolyPhen-2: "Benign"; Align-GVGD: "Class C0". The aspartic acid amino acid residue is found in multiple mammalian species, which suggests that this missense change does not adversely affect protein function. In summary, the available evidence is currently insufficient to determine the role of this variant in disease. Therefore, it has been classified as a Variant of Uncertain Significance.

Baylor Genetics
Classification: Uncertain significance for Fanconi anemia complementation group D2. Last evaluated: 2021-10-26. Review status: criteria provided, single submitter. Criteria: ACMG Guidelines, 2015. Collection method: clinical testing. Allele origin: unknown. Affected: yes. Study: CSER-TexasKidsCanSeq.
Comment: This variant was determined to be of uncertain significance according to ACMG Guidelines, 2015 [PMID:25741868].

Illumina Laboratory Services, Illumina
Classification: Uncertain significance for Fanconi anemia complementation group D2. Last evaluated: 2018-03-30. Review status: criteria provided, single submitter. Criteria: ICSL Variant Classification Criteria 13 December 2019. Collection method: clinical testing. Allele origin: germline.